The following is an entry in ClinVar:

ClinVar aggregate classification (germline): Uncertain significance (1 of 4 stars; one submission).

gnomAD v4.1: 28 of 1,613,992 alleles (0.0017%); highest among the groups gnomAD compares: Admixed American, 0.033%; no homozygotes.

Submission:

Labcorp Genetics (formerly Invitae), Labcorp
Classification: Uncertain significance. Last evaluated: 2025-03-06. Review status: criteria provided, single submitter. Criteria: Invitae Variant Classification Sherloc (09022015). Collection method: clinical testing. Allele origin: germline.
Comment: This sequence change replaces threonine, which is neutral and polar, with isoleucine, which is neutral and non-polar, at codon 1511 of the SORL1 protein (p.Thr1511Ile). This variant is present in population databases (rs752299559, gnomAD 0.04%), and has an allele count higher than expected for a pathogenic variant. This missense change has been observed in individual(s) with Alzheimer disease (PMID: 25382023). An algorithm developed to predict the effect of missense changes on protein structure and function (PolyPhen-2) suggests that this variant is likely to be tolerated. In summary, the available evidence is currently insufficient to determine the role of this variant in disease. Therefore, it has been classified as a Variant of Uncertain Significance.

Literature cited by the submitters: PubMed 25382023.

NM_003105.6(SORL1):c.4532C>T (p.Thr1511Ile)

Gene: SORL1 (sortilin related receptor 1; plus strand). Cytogenetic location: 11q24.1.
Variant type: single nucleotide variant.
Coding change: c.4532C>T on transcript NM_003105.6 (MANE Select); coding-DNA position 4532, C replaced by T.
Protein change: p.Thr1511Ile; replaces threonine 1511 with isoleucine.
Molecular consequence: missense variant.
Genome position (GRCh38, 1-based): chr11:121,604,205, C>T. VCF-style: chr11-121604205-C-T. GRCh37 (hg19) VCF-style: chr11-121474914-C-T.
Other names: short protein forms T1511I.
Identifiers: ClinVar variation 4743215 (VCV004743215.1).